The following is an entry in ClinVar:

NM_004304.5(ALK):c.2087C>T (p.Pro696Leu)

Gene: ALK (ALK receptor tyrosine kinase; minus strand). Cytogenetic location: 2p23.2.
Variant type: single nucleotide variant.
Coding change: c.2087C>T on transcript NM_004304.5 (MANE Select); coding-DNA position 2087, C replaced by T.
Protein change: p.Pro696Leu; replaces proline 696 with leucine.
Molecular consequence: missense variant.
Genome position (GRCh38, 1-based): chr2:29,251,222, G>A on the plus strand (C>T on the coding strand, the complement: ALK is on the minus strand). VCF-style: chr2-29251222-G-A. GRCh37 (hg19) VCF-style: chr2-29474088-G-A.
Other names: short protein forms P696L.
Identifiers: ClinVar variation 3223816 (VCV003223816.1), dbSNP rs1254772094, ClinGen allele CA346477100.

ClinVar aggregate classification (germline): Uncertain significance (1 of 4 stars; one submission).

Conditions:
Hereditary cancer-predisposing syndrome. Also called: Tumor predisposition; Hereditary neoplastic syndrome; Hereditary Cancer Syndrome; Neoplastic Syndromes, Hereditary. Identifiers: Orphanet 140162, MedGen C0027672, MeSH D009386, MONDO:0015356.

Submission:

Ambry Genetics
Classification: Uncertain significance for Hereditary cancer-predisposing syndrome. Last evaluated: 2023-10-15. Review status: criteria provided, single submitter. Criteria: Ambry Variant Classification Scheme 2023. Collection method: clinical testing. Allele origin: germline.
Comment: The p.P696L variant (also known as c.2087C>T), located in coding exon 12 of the ALK gene, results from a C to T substitution at nucleotide position 2087. The proline at codon 696 is replaced by leucine, an amino acid with similar properties. This amino acid position is conserved. In addition, this alteration is predicted to be deleterious by in silico analysis. Since supporting evidence is limited at this time, the clinical significance of this alteration remains unclear.